The following is an entry in ClinVar:

ClinVar aggregate classification (germline): Pathogenic (1 of 4 stars; one submission).

Submission:

Labcorp Genetics (formerly Invitae), Labcorp
Classification: Pathogenic. Last evaluated: 2021-06-08. Review status: criteria provided, single submitter. Criteria: Invitae Variant Classification Sherloc (09022015). Collection method: clinical testing. Allele origin: germline.
Comment: This sequence change creates a premature translational stop signal (p.Lys632Glufs*80) in the DUOX2 gene. It is expected to result in an absent or disrupted protein product. Loss-of-function variants in DUOX2 are known to be pathogenic (PMID: 12110737, 18765513, 21565790, 24423310, 24735383). This variant is not present in population databases (ExAC no frequency). This variant has not been reported in the literature in individuals with DUOX2-related conditions. For these reasons, this variant has been classified as Pathogenic.

Literature cited by the submitters: PubMed 12110737; PubMed 18765513; PubMed 21565790; PubMed 24423310; PubMed 24735383.

NM_001363711.2(DUOX2):c.1894_1895del (p.Lys632fs)

Gene: DUOX2 (dual oxidase 2; minus strand). Cytogenetic location: 15q21.1.
Variant type: Deletion.
Coding change: c.1894_1895del on transcript NM_001363711.2 (MANE Select); coding-DNA positions 1894 to 1895, 2 bases deleted (AA; older notation c.1894_1895delAA).
Protein change: p.Lys632fs; shifts the reading frame from lysine 632.
Molecular consequence: frameshift variant.
Genome position (GRCh38, 1-based): chr15:45,106,578-45,106,579, TT deleted on the plus strand (AA on the coding strand, the reverse complement: DUOX2 is on the minus strand); deleting any 2 consecutive bases within chr15:45,106,578-45,106,581 gives the same sequence; the c. name uses the placement nearest the transcript's 3' end. VCF-style (leftmost placement, unchanged base first): chr15-45106577-CTT-C. GRCh37 (hg19) VCF-style: chr15-45398775-CTT-C.
Other names: c.1894_1895del, p.Lys632fs (NM_014080.5); short protein forms K632fs.
Identifiers: ClinVar variation 1380164 (VCV001380164.6), dbSNP rs2141151636, ClinGen allele CA2573150900.